The following is an entry in ClinVar:

ClinVar aggregate classification (germline): Uncertain significance (1 of 4 stars; one submission).

Submission:

GeneDx
Classification: Uncertain significance. Last evaluated: 2025-06-05. Review status: criteria provided, single submitter. Criteria: GeneDx Variant Classification Process June 2021. Collection method: clinical testing. Allele origin: germline. Affected: yes.
Comment: Not observed at significant frequency in large population cohorts (gnomAD); In silico analysis supports that this missense variant has a deleterious effect on protein structure/function; Has not been previously published as pathogenic or benign to our knowledge

NM_001957.4(EDNRA):c.557C>A (p.Ala186Glu)

Gene: EDNRA (endothelin receptor type A; plus strand). Cytogenetic location: 4q31.23.
Variant type: single nucleotide variant.
Coding change: c.557C>A on transcript NM_001957.4 (MANE Select); coding-DNA position 557, C replaced by A.
Protein change: p.Ala186Glu; replaces alanine 186 with glutamic acid.
Molecular consequence: missense variant. On other transcripts: non-coding transcript variant (1), intron variant (1).
Genome position (GRCh38, 1-based): chr4:147,532,514, C>A. VCF-style: chr4-147532514-C-A. GRCh37 (hg19) VCF-style: chr4-148453666-C-A.
Other names: c.421-3363C>A (NM_001166055.2); short protein forms A186E.
Identifiers: ClinVar variation 4536179 (VCV004536179.1).